The following is an entry in ClinVar:

NM_000059.4(BRCA2):c.5906T>A (p.Val1969Asp)

Gene: BRCA2 (BRCA2 DNA repair associated; plus strand). Cytogenetic location: 13q13.1.
Variant type: single nucleotide variant.
Coding change: c.5906T>A on transcript NM_000059.4 (MANE Select); coding-DNA position 5906, T replaced by A.
Protein change: p.Val1969Asp; replaces valine 1969 with aspartic acid.
Molecular consequence: missense variant. On other transcripts: non-coding transcript variant (1), intron variant (2).
Genome position (GRCh38, 1-based): chr13:32,340,261, T>A. VCF-style: chr13-32340261-T-A. GRCh37 (hg19) VCF-style: chr13-32914398-T-A.
Other names: c.5906T>A, p.Val1969Asp (NM_001406719.1, NM_001406720.1, NM_001432077.1); c.1910-4297T>A (NM_001406721.1); c.425-4297T>A (NM_001406722.1); short protein forms V1969D.
Identifiers: ClinVar variation 3688856 (VCV003688856.3).
Genomic context (GRCh38, chr13:32,340,261, plus strand): 5'-ATGTTAGTTTGGAAACTTCAGATATATGTAAATGTAGTATAGGGAAGCTTCATAAGTCAG[T>A]CTCATCTGCAAATACTTGTGGGATTTTTAGCACAGCAAGTGGAAAATCTGTCCAGGTATC-3'
Protein context (NP_000050.3, residues 1959-1979): KCSIGKLHKS[Val1969Asp]SSANTCGIFS

ClinVar aggregate classification (germline): Uncertain significance. Review status: criteria provided, multiple submitters, no conflicts (2 of 4 stars). 2 submissions from 2 submitters: Uncertain significance (2). Last evaluated 2026-07-05.

Conditions:
Hereditary cancer-predisposing syndrome. Also called: Tumor predisposition; Hereditary neoplastic syndrome; Hereditary Cancer Syndrome; Neoplastic Syndromes, Hereditary. Identifiers: Orphanet 140162, MedGen C0027672, MeSH D009386, MONDO:0015356.
Hereditary breast ovarian cancer syndrome. Also called: Hereditary breast and ovarian cancer; Breast and ovarian cancer; Hereditary breast and/or ovarian cancer syndrome; Hereditary breast and ovarian cancer syndrome (HBOC); BRCA1- and BRCA2-Associated Hereditary Breast and Ovarian Cancer; Hereditary breast and ovarian cancer syndrome. Identifiers: Orphanet 145, MedGen C0677776, MeSH D061325, MONDO:0003582. Disease mechanism: loss of function.

Submissions (2):

Ambry Genetics
Classification: Uncertain significance for Hereditary cancer-predisposing syndrome. Last evaluated: 2026-07-05. Review status: criteria provided, single submitter. Criteria: Ambry Variant Classification Scheme 2023. Collection method: clinical testing. Allele origin: germline.
Comment: The p.V1969D variant (also known as c.5906T>A), located in coding exon 10 of the BRCA2 gene, results from a T to A substitution at nucleotide position 5906. The valine at codon 1969 is replaced by aspartic acid, an amino acid with highly dissimilar properties. This amino acid position is conserved. In addition, this alteration is predicted to be tolerated by in silico analysis. Based on the available evidence, the clinical significance of this variant remains unclear.

Labcorp Genetics (formerly Invitae), Labcorp
Classification: Uncertain significance for Hereditary breast ovarian cancer syndrome. Last evaluated: 2024-08-15. Review status: criteria provided, single submitter. Criteria: Invitae Variant Classification Sherloc (09022015). Collection method: clinical testing. Allele origin: germline.
Comment: This sequence change replaces valine, which is neutral and non-polar, with aspartic acid, which is acidic and polar, at codon 1969 of the BRCA2 protein (p.Val1969Asp). This variant is not present in population databases (gnomAD no frequency). This variant has not been reported in the literature in individuals affected with BRCA2-related conditions. Invitae Evidence Modeling of protein sequence and biophysical properties (such as structural, functional, and spatial information, amino acid conservation, physicochemical variation, residue mobility, and thermodynamic stability) indicates that this missense variant is not expected to disrupt BRCA2 protein function with a negative predictive value of 95%. In summary, the available evidence is currently insufficient to determine the role of this variant in disease. Therefore, it has been classified as a Variant of Uncertain Significance.